The following is an entry in ClinVar:

NM_004360.5(CDH1):c.1052A>G (p.Gln351Arg)

Gene: CDH1 (cadherin 1; plus strand). Cytogenetic location: 16q22.1.
Variant type: single nucleotide variant.
Coding change: c.1052A>G on transcript NM_004360.5 (MANE Select); coding-DNA position 1052, A replaced by G.
Protein change: p.Gln351Arg; replaces glutamine 351 with arginine.
Molecular consequence: missense variant. On other transcripts: 5 prime UTR variant (2).
Genome position (GRCh38, 1-based): chr16:68,812,178, A>G. VCF-style: chr16-68812178-A-G. GRCh37 (hg19) VCF-style: chr16-68846081-A-G.
Other names: c.1052A>G, p.Gln351Arg (NM_001317184.2); c.-564A>G (NM_001317185.2); c.-768A>G (NM_001317186.2); short protein forms Q351R.
Identifiers: ClinVar variation 964638 (VCV000964638.9), dbSNP rs762123073, ClinGen allele CA8129991.

ClinVar aggregate classification (germline): Conflicting classifications of pathogenicity. Review status: criteria provided, conflicting classifications (1 of 4 stars). 2 submissions from 2 submitters: Uncertain significance (1); Likely benign (1). Last evaluated 2025-04-17.

Conditions:
Hereditary diffuse gastric adenocarcinoma (HDGC). Also called: DIFFUSE GASTRIC AND LOBULAR BREAST CANCER SYNDROME. Identifiers: Orphanet 26106, MedGen C1708349, MONDO:0007648, OMIM 137215.
Hereditary cancer-predisposing syndrome. Also called: Hereditary neoplastic syndrome; Hereditary Cancer Syndrome; Tumor predisposition; Neoplastic Syndromes, Hereditary. Identifiers: Orphanet 140162, MedGen C0027672, MeSH D009386, MONDO:0015356.

Allele frequency attached by ClinVar (database versions not stated): gnomAD exomes below 0.00001; ExAC 0.00001.

Submissions (2):

Labcorp Genetics (formerly Invitae), Labcorp
Classification: Uncertain significance for Hereditary diffuse gastric adenocarcinoma. Last evaluated: 2025-04-17. Review status: criteria provided, single submitter. Criteria: Invitae Variant Classification Sherloc (09022015). Collection method: clinical testing. Allele origin: germline.
Comment: This sequence change replaces glutamine, which is neutral and polar, with arginine, which is basic and polar, at codon 351 of the CDH1 protein (p.Gln351Arg). This variant is present in population databases (rs762123073, gnomAD 0.006%). This variant has not been reported in the literature in individuals affected with CDH1-related conditions. ClinVar contains an entry for this variant (Variation ID: 964638). An algorithm developed to predict the effect of missense changes on protein structure and function (PolyPhen-2) suggests that this variant is likely to be tolerated. In summary, the available evidence is currently insufficient to determine the role of this variant in disease. Therefore, it has been classified as a Variant of Uncertain Significance.

Ambry Genetics
Classification: Likely benign for Hereditary cancer-predisposing syndrome. Last evaluated: 2025-03-05. Review status: criteria provided, single submitter. Criteria: Ambry Variant Classification Scheme 2023. Collection method: clinical testing. Allele origin: germline.